The following is an entry in ClinVar:

NM_001130438.3(SPTAN1):c.74G>A (p.Arg25Gln)

Gene: SPTAN1 (spectrin alpha, non-erythrocytic 1; plus strand). Cytogenetic location: 9q34.11.
Variant type: single nucleotide variant.
Coding change: c.74G>A on transcript NM_001130438.3 (MANE Select); coding-DNA position 74, G replaced by A.
Protein change: p.Arg25Gln; replaces arginine 25 with glutamine.
Molecular consequence: missense variant.
Genome position (GRCh38, 1-based): chr9:128,566,814, G>A. VCF-style: chr9-128566814-G-A. GRCh37 (hg19) VCF-style: chr9-131329093-G-A.
Other names: c.74G>A, p.Arg25Gln (NM_001195532.2, NM_001363759.2, NM_001363765.2 and 5 more transcripts); c.110G>A, p.Arg37Gln (NM_001375312.2, NM_001375318.1); short protein forms R25Q, R37Q.
Identifiers: ClinVar variation 976180 (VCV000976180.6), dbSNP rs1850091477, ClinGen allele CA375049512.

ClinVar aggregate classification (germline): Uncertain significance. Review status: criteria provided, multiple submitters, no conflicts (2 of 4 stars). 2 submissions from 2 submitters: Uncertain significance (2). Last evaluated 2022-02-11.

Conditions:
Early-infantile DEE. Also called: Early infantile epileptic encephalopathy; Early infantile epileptic encephalopathy with suppression bursts; Ohtahara syndrome. Identifiers: Orphanet 1934, MedGen C0393706, MONDO:0800491.
Developmental and epileptic encephalopathy, 5 (DEE5). Identifiers: Orphanet 3451, MedGen C3150731, MONDO:0013277, OMIM 613477.

gnomAD v4.1: 6 of 1,614,206 alleles (0.00037%); highest among the groups gnomAD compares: Non-Finnish European, 0.00051%; no homozygotes.

Submissions (2):

Labcorp Genetics (formerly Invitae), Labcorp
Classification: Uncertain significance for Early-infantile DEE. Last evaluated: 2022-02-11. Review status: criteria provided, single submitter. Criteria: Invitae Variant Classification Sherloc (09022015). Collection method: clinical testing. Allele origin: germline.
Comment: In summary, the available evidence is currently insufficient to determine the role of this variant in disease. Therefore, it has been classified as a Variant of Uncertain Significance. Algorithms developed to predict the effect of missense changes on protein structure and function are either unavailable or do not agree on the potential impact of this missense change (SIFT: "Deleterious"; PolyPhen-2: "Probably Damaging"; Align-GVGD: "Class C0"). ClinVar contains an entry for this variant (Variation ID: 976180). This variant has not been reported in the literature in individuals affected with SPTAN1-related conditions. This variant is not present in population databases (gnomAD no frequency). This sequence change replaces arginine, which is basic and polar, with glutamine, which is neutral and polar, at codon 25 of the SPTAN1 protein (p.Arg25Gln).

Institute of Human Genetics, University of Leipzig Medical Center
Classification: Uncertain significance for Developmental and epileptic encephalopathy, 5. Last evaluated: 2018-07-12. Review status: criteria provided, single submitter. Criteria: ACMG Guidelines, 2015. Collection method: clinical testing. Allele origin: germline. Affected: yes. Observed: 1 variant allele.